The following is an entry in ClinVar:

NM_000350.3(ABCA4):c.3328+1G>A

Gene: ABCA4 (ATP binding cassette subfamily A member 4; minus strand). Cytogenetic location: 1p22.1.
Variant type: single nucleotide variant.
Coding change: c.3328+1G>A on transcript NM_000350.3 (MANE Select); the canonical splice donor site of the intron after coding-DNA position 3328, G replaced by A.
Molecular consequence: splice donor variant.
Genome position (GRCh38, 1-based): chr1:94,042,760, C>T on the plus strand (G>A on the coding strand, the complement: ABCA4 is on the minus strand). VCF-style: chr1-94042760-C-T. GRCh37 (hg19) VCF-style: chr1-94508316-C-T.
Identifiers: ClinVar variation 1066461 (VCV001066461.11), dbSNP rs1660527478, ClinGen allele CA341291828.

ClinVar aggregate classification (germline): Likely pathogenic. Review status: criteria provided, multiple submitters, no conflicts (2 of 4 stars). 3 submissions from 3 submitters: Likely pathogenic (3). Last evaluated 2025-02-05.

Conditions:
ABCA4-related disorder. Also called: ABCA4-related disorders; ABCA4-related condition. Identifiers: MedGen CN239167.
Severe early-childhood-onset retinal dystrophy (STGD1). Also called: STGD; Stargardt macular dystrophy; Juvenile onset macular degeneration; Stargardt disease 1; MACULAR DYSTROPHY WITH FLECKS, TYPE 1. Identifiers: Orphanet 364055, Orphanet 827, MedGen C1855465, MeSH D000080362, MONDO:0009549, OMIM 248200.

Submissions (3):

SingHealth Duke-NUS Institute of Precision Medicine
Classification: Likely pathogenic for Severe early-childhood-onset retinal dystrophy. Last evaluated: 2025-02-05. Review status: criteria provided, single submitter. Criteria: PRISM ACMG Classification Criteria. Collection method: clinical testing. Allele origin: germline. Affected: yes.
Comment: Cryptic splice variant is predicted to cause truncated protein (PVS1). Variant is not found in gnomAD exomes and genomes (PM2).

Blueprint Genetics
Classification: Likely pathogenic for ABCA4-related disorders. Last evaluated: 2024-04-05. Review status: criteria provided, single submitter. Criteria: ACMG Guidelines, 2015. Collection method: clinical testing. Allele origin: germline. Affected: yes. Observed: 3 variant alleles.

Labcorp Genetics (formerly Invitae), Labcorp
Classification: Likely pathogenic. Last evaluated: 2020-10-08. Review status: criteria provided, single submitter. Criteria: Invitae Variant Classification Sherloc (09022015). Collection method: clinical testing. Allele origin: germline.
Comment: Disruption of this splice site has been observed in individual(s) with Stargardt disease (PMID: 23329737). In summary, the currently available evidence indicates that the variant is pathogenic, but additional data are needed to prove that conclusively. Therefore, this variant has been classified as Likely Pathogenic. Donor and acceptor splice site variants typically lead to a loss of protein function (PMID: 16199547), and loss-of-function variants in ABCA4 are known to be pathogenic (PMID: 10958761, 24938718, 25312043, 26780318). Algorithms developed to predict the effect of sequence changes on RNA splicing suggest that this variant may disrupt the consensus splice site, but this prediction has not been confirmed by published transcriptional studies. This variant is not present in population databases (ExAC no frequency). This sequence change affects a donor splice site in intron 22 of the ABCA4 gene. It is expected to disrupt RNA splicing and likely results in an absent or disrupted protein product.

Literature cited by the submitters: PubMed 23329737 (cited by Labcorp Genetics (formerly Invitae), Labcorp); PubMed 16199547 (cited by Labcorp Genetics (formerly Invitae), Labcorp); PubMed 10958761 (cited by Labcorp Genetics (formerly Invitae), Labcorp); PubMed 24938718 (cited by Labcorp Genetics (formerly Invitae), Labcorp); PubMed 25312043 (cited by Labcorp Genetics (formerly Invitae), Labcorp); PubMed 26780318 (cited by Labcorp Genetics (formerly Invitae), Labcorp).